The following is an entry in ClinVar:

NM_000228.3(LAMB3):c.222_223del (p.His75fs)

Gene: LAMB3 (laminin subunit beta 3; minus strand). Cytogenetic location: 1q32.2.
Variant type: Deletion.
Coding change: c.222_223del on transcript NM_000228.3 (MANE Select); coding-DNA positions 222 to 223, 2 bases deleted (TC; older notation c.222_223delTC).
Protein change: p.His75fs; shifts the reading frame from histidine 75.
Molecular consequence: frameshift variant.
Genome position (GRCh38, 1-based): chr1:209,638,609-209,638,610, GA deleted on the plus strand (TC on the coding strand, the reverse complement: LAMB3 is on the minus strand); deleting any 2 consecutive bases within chr1:209,638,609-209,638,611 gives the same sequence; the c. name uses the placement nearest the transcript's 3' end. VCF-style (leftmost placement, unchanged base first): chr1-209638608-TGA-T. GRCh37 (hg19) VCF-style: chr1-209811953-TGA-T.
Other names: c.222_223del, p.His75fs (NM_001017402.2, NM_001127641.1); short protein forms H75fs.
Identifiers: ClinVar variation 1726104 (VCV001726104.3), dbSNP rs2464898978, ClinGen allele CA2580061988.

ClinVar aggregate classification (germline): Likely pathogenic (1 of 4 stars; one submission).

Conditions:
Junctional epidermolysis bullosa. Identifiers: Orphanet 305, MedGen C0079301, MONDO:0017612.

Submission:

Myriad Genetics, Inc.
Classification: Likely pathogenic for Junctional epidermolysis bullosa. Last evaluated: 2021-12-08. Review status: criteria provided, single submitter. Criteria: Myriad Autosomal Dominant, Autosomal Recessive and X-Linked Classification Criteria (2023). Collection method: clinical testing. Allele origin: unknown.
Comment: NM_000228.2(LAMB3):c.222_223delTC(H75Qfs*25) is expected to be pathogenic in the context of junctional epidermolysis bullosa, LAMB3-related. This variant is predicted to lead to an abnormal or absent protein product due to the creation of a premature termination codon in LAMB3, a gene where loss-of-function variants are known to be pathogenic. Please note: this variant was assessed in the context of healthy population screening.